The following is an entry in ClinVar:

ClinVar aggregate classification (germline): Uncertain significance. Review status: criteria provided, multiple submitters, no conflicts (2 of 4 stars). 2 submissions from 2 submitters: Uncertain significance (2). Last evaluated 2022-11-22.

Conditions:
Hereditary cancer-predisposing syndrome. Also called: Tumor predisposition; Hereditary neoplastic syndrome; Neoplastic Syndromes, Hereditary; Hereditary Cancer Syndrome. Identifiers: Orphanet 140162, MedGen C0027672, MeSH D009386, MONDO:0015356.
Hereditary nonpolyposis colorectal neoplasms. Identifiers: MedGen C0009405, MeSH D003123.

Submissions (2):

Labcorp Genetics (formerly Invitae), Labcorp
Classification: Uncertain significance for Hereditary nonpolyposis colorectal neoplasms. Last evaluated: 2022-11-22. Review status: criteria provided, single submitter. Criteria: Invitae Variant Classification Sherloc (09022015). Collection method: clinical testing. Allele origin: germline.
Comment: In summary, the available evidence is currently insufficient to determine the role of this variant in disease. Therefore, it has been classified as a Variant of Uncertain Significance. Advanced modeling of protein sequence and biophysical properties (such as structural, functional, and spatial information, amino acid conservation, physicochemical variation, residue mobility, and thermodynamic stability) performed at Invitae indicates that this missense variant is not expected to disrupt MSH6 protein function. ClinVar contains an entry for this variant (Variation ID: 1501062). This variant has not been reported in the literature in individuals affected with MSH6-related conditions. This variant is not present in population databases (gnomAD no frequency). This sequence change replaces leucine, which is neutral and non-polar, with serine, which is neutral and polar, at codon 712 of the MSH6 protein (p.Leu712Ser).

Ambry Genetics
Classification: Uncertain significance for Hereditary cancer-predisposing syndrome. Last evaluated: 2021-02-16. Review status: criteria provided, single submitter. Criteria: Ambry Variant Classification Scheme 2023. Collection method: clinical testing. Allele origin: germline.
Comment: The p.L712S variant (also known as c.2135T>C), located in coding exon 4 of the MSH6 gene, results from a T to C substitution at nucleotide position 2135. The leucine at codon 712 is replaced by serine, an amino acid with dissimilar properties. This amino acid position is not well conserved in available vertebrate species. In addition, the in silico prediction for this alteration is inconclusive. Since supporting evidence is limited at this time, the clinical significance of this alteration remains unclear.

NM_000179.3(MSH6):c.2135T>C (p.Leu712Ser)

Gene: MSH6 (mutS homolog 6; plus strand). Cytogenetic location: 2p16.3.
Variant type: single nucleotide variant.
Coding change: c.2135T>C on transcript NM_000179.3 (MANE Select); coding-DNA position 2135, T replaced by C.
Protein change: p.Leu712Ser; replaces leucine 712 with serine.
Molecular consequence: missense variant.
Genome position (GRCh38, 1-based): chr2:47,800,118, T>C. VCF-style: chr2-47800118-T-C. GRCh37 (hg19) VCF-style: chr2-48027257-T-C.
Other names: c.1745T>C, p.Leu582Ser (NM_001281492.2); c.1229T>C, p.Leu410Ser (NM_001281493.2, NM_001281494.2); short protein forms L712S, L410S, L582S.
Identifiers: ClinVar variation 1501062 (VCV001501062.10), dbSNP rs371414784, ClinGen allele CA46710394.